The following is an entry in ClinVar:

ClinVar aggregate classification (germline): Conflicting classifications of pathogenicity. Review status: criteria provided, conflicting classifications (1 of 4 stars). 2 submissions from 2 submitters: Uncertain significance (1); Likely benign (1). Last evaluated 2026-02-02.

Conditions:
RASopathy. Also called: Noonan spectrum disorder; rasopathies. Identifiers: Orphanet 536391, MedGen C5555857, MONDO:0021060.

Allele frequency attached by ClinVar (database versions not stated): gnomAD 0.00010 and 0.00011; 1000 Genomes Project 30x 0.00016; TOPMed 0.00017; 1000 Genomes Project 0.00020; ESP Exome Variant Server 0.00031.
gnomAD v4.1: 25 of 1,613,936 alleles (0.0015%); highest among the groups gnomAD compares: African/African-American, 0.031%; no homozygotes.

Submissions (2):

Labcorp Genetics (formerly Invitae), Labcorp
Classification: Likely benign for RASopathy. Last evaluated: 2026-02-02. Review status: criteria provided, single submitter. Criteria: Invitae Variant Classification Sherloc (09022015). Collection method: clinical testing. Allele origin: germline.

Laboratory for Molecular Medicine, Mass General Brigham Personalized Medicine
Classification: Uncertain significance. Last evaluated: 2016-11-29. Review status: criteria provided, single submitter. Criteria: LMM Criteria. Collection method: clinical testing. Allele origin: germline. Observed: 1 variant allele.
Comment: Variant classified as Uncertain Significance - Favor Benign. The c.1537-13G>A va riant in RAF1 has not been previously reported in individuals with clinical feat ures of a RASopathy, but has been identified in 6/10324 African chromosomes by t he Exome Aggregation Consortium (ExAC). This var iant is located in the 3' splice region. Computational tools do not suggest an i mpact to splicing. However, this information is not predictive enough to rule ou t pathogenicity. In summary, while the clinical significance of the c.1537-13G>A variant is uncertain, these data suggest that it is more likely to be benign.

NM_002880.4(RAF1):c.1537-13G>A

Gene: RAF1 (Raf-1 proto-oncogene, serine/threonine kinase; minus strand). Cytogenetic location: 3p25.2.
Variant type: single nucleotide variant.
Coding change: c.1537-13G>A on transcript NM_002880.4 (MANE Select); 13 bases into the intron before coding-DNA position 1537, G replaced by A.
Molecular consequence: intron variant.
Genome position (GRCh38, 1-based): chr3:12,585,266, C>T on the plus strand (G>A on the coding strand, the complement: RAF1 is on the minus strand). VCF-style: chr3-12585266-C-T. GRCh37 (hg19) VCF-style: chr3-12626765-C-T.
Other names: c.1195-13G>A (NM_001354695.3); c.1294-13G>A (NM_001354692.3, NM_001354691.3); c.1354-13G>A (NM_001354694.3); c.1438-13G>A (NM_001354693.3); c.1597-13G>A (NM_001354689.3); c.1537-13G>A (NM_001354690.3).
Identifiers: ClinVar variation 504534 (VCV000504534.13), dbSNP rs369039413, ClinGen allele CA2259475.